The following is an entry in ClinVar:

NM_001077365.2(POMT1):c.2167C>T (p.Arg723Ter)

Gene: POMT1 (protein O-mannosyltransferase 1; plus strand). Cytogenetic location: 9q34.13.
Variant type: single nucleotide variant.
Coding change: c.2167C>T on transcript NM_001077365.2 (MANE Select); coding-DNA position 2167, C replaced by T.
Protein change: p.Arg723Ter; replaces arginine 723 with a stop codon.
Molecular consequence: nonsense. On other transcripts: non-coding transcript variant (10).
Genome position (GRCh38, 1-based): chr9:131,523,095, C>T. VCF-style: chr9-131523095-C-T. GRCh37 (hg19) VCF-style: chr9-134398482-C-T.
Other names: c.2005C>T, p.Arg669Ter (NM_001077366.2, NM_001353194.2); c.2167C>T, p.Arg723Ter (NM_001136113.2); c.1816C>T, p.Arg606Ter (NM_001136114.2, NM_001353195.2, NM_001374691.1 and 2 more transcripts); c.2233C>T, p.Arg745Ter (NM_001353193.2, NM_007171.4); c.2077C>T, p.Arg693Ter (NM_001353196.2); c.2071C>T, p.Arg691Ter (NM_001353197.2, NM_001353198.2); c.1882C>T, p.Arg628Ter (NM_001353199.2); c.1711C>T, p.Arg571Ter (NM_001353200.2); and 3 more; short protein forms R745*, R669*, R693*, R723*, R606*, R571*, R628*, R691*.
Identifiers: ClinVar variation 211946 (VCV000211946.52), dbSNP rs202202445, ClinGen allele CA206297.
Genomic context (GRCh38, chr9:131,523,095, plus strand): 5'-TCACTCTCGCCACATGAACTCAAGGCCCTTCGCTGGAAAGACAGCTGGGACATCTTGATC[C>T]GAAAACACTAGAACAAGAGTGTGGCAAAGAACACCCGTGCTGGGGTCGGGATGAGGTTGA-3'

ClinVar aggregate classification (germline): Uncertain significance. Review status: criteria provided, multiple submitters, no conflicts (2 of 4 stars). 7 submissions from 7 submitters: Uncertain significance (7). Last evaluated 2024-11-11.

Conditions:
Autosomal recessive limb-girdle muscular dystrophy type 2K. Also called: MUSCULAR DYSTROPHY-DYSTROGLYCANOPATHY (LIMB-GIRDLE), TYPE C, 1; MUSCULAR DYSTROPHY, LIMB-GIRDLE, TYPE 2K. Identifiers: Orphanet 86812, MedGen C1836373, MONDO:0012248, OMIM 609308.
Muscular dystrophy-dystroglycanopathy (congenital with impaired intellectual development), type B, 1. Also called: Muscular dystrophy-dystroglycanopathy (congenital with intellectual disability), type B1; MUSCULAR DYSTROPHY, CONGENITAL, POMT1-RELATED. Identifiers: MedGen C5436962, MONDO:0013159, OMIM 613155.
Walker-Warburg congenital muscular dystrophy. Also called: Muscular dystrophy-dystroglycanopathy, type A; Walker-Warburg syndrome. Identifiers: Orphanet 899, MedGen C0265221, MONDO:0000171.
Inborn genetic diseases. Identifiers: MedGen C0950123, MeSH D030342.
Muscular dystrophy-dystroglycanopathy (congenital with brain and eye anomalies), type A1 (MDDGA1). Also called: WALKER-WARBURG SYNDROME OR MUSCLE-EYE-BRAIN DISEASE, POMT1-RELATED; Hydrocephalus, agyria and retinal dysplasia; Hard +/- E syndrome; Warburg syndrome; Chemke syndrome; Pagon syndrome. Identifiers: Orphanet 588, Orphanet 899, MedGen C4284790, MONDO:0009364, OMIM 236670.

Allele frequency attached by ClinVar (database versions not stated): gnomAD 0.00004; gnomAD exomes 0.00004 and 0.00009; TOPMed 0.00004; ExAC 0.00005; 1000 Genomes Project 30x 0.00016; 1000 Genomes Project 0.00020.
gnomAD v4.1: 71 of 1,611,020 alleles (0.0044%); highest among the groups gnomAD compares: Admixed American, 0.035%; no homozygotes.

Submissions (7):

Labcorp Genetics (formerly Invitae), Labcorp
Classification: Uncertain significance for Muscular dystrophy-dystroglycanopathy (congenital with impaired intellectual development), type B, 1; Walker-Warburg congenital muscular dystrophy; Autosomal recessive limb-girdle muscular dystrophy type 2K. Last evaluated: 2024-11-11. Review status: criteria provided, single submitter. Criteria: Invitae Variant Classification Sherloc (09022015). Collection method: clinical testing. Allele origin: germline.
Comment: This sequence change creates a premature translational stop signal (p.Arg745*) in the POMT1 gene. While this is not anticipated to result in nonsense mediated decay, it is expected to disrupt the last 3 amino acid(s) of the POMT1 protein. This variant is present in population databases (rs202202445, gnomAD 0.05%). This variant has not been reported in the literature in individuals affected with POMT1-related conditions. ClinVar contains an entry for this variant (Variation ID: 211946). Experimental studies and prediction algorithms are not available or were not evaluated, and the functional significance of this variant is currently unknown. In summary, the available evidence is currently insufficient to determine the role of this variant in disease. Therefore, it has been classified as a Variant of Uncertain Significance.

Revvity Omics, Revvity
Classification: Uncertain significance. Last evaluated: 2024-10-24. Review status: criteria provided, single submitter. Criteria: ACMG Guidelines, 2015. Collection method: clinical testing. Allele origin: germline.

Ambry Genetics
Classification: Uncertain significance for Inborn genetic diseases. Last evaluated: 2021-12-03. Review status: criteria provided, single submitter. Criteria: Ambry Variant Classification Scheme 2023. Collection method: clinical testing. Allele origin: germline.
Comment: Not expected to trigger nonsense-mediated mRNA decay Based on insufficient or conflicting evidence, the clinical significance of this alteration remains unclear.

Blueprint Genetics
Classification: Uncertain significance. Last evaluated: 2021-08-17. Review status: criteria provided, single submitter. Criteria: ACMG Guidelines, 2015. Collection method: clinical testing. Allele origin: germline.

CeGaT Center for Human Genetics Tuebingen
Classification: Uncertain significance. Last evaluated: 2021-02-01. Review status: criteria provided, single submitter. Criteria: CeGaT Center For Human Genetics Tuebingen Variant Classification Criteria Version 2. Collection method: clinical testing. Allele origin: germline. Affected: yes. Observed: 1 variant allele.

Fulgent Genetics
Classification: Uncertain significance for Muscular dystrophy-dystroglycanopathy (congenital with brain and eye anomalies), type A1; Autosomal recessive limb-girdle muscular dystrophy type 2K; Muscular dystrophy-dystroglycanopathy (congenital with impaired intellectual development), type B, 1. Last evaluated: 2018-10-31. Review status: criteria provided, single submitter. Criteria: ACMG Guidelines, 2015. Collection method: clinical testing. Allele origin: unknown.

Genetic Services Laboratory, University of Chicago
Classification: Uncertain significance. Last evaluated: 2015-02-12. Review status: criteria provided, single submitter. Criteria: ACMG Guidelines, 2015. Collection method: clinical testing. Allele origin: germline.